The following is an entry in ClinVar:

ClinVar aggregate classification (germline): Uncertain significance (1 of 4 stars; one submission).

Conditions:
Charcot-Marie-Tooth disease type 2. Also called: Charcot-Marie-Tooth type 2. Identifiers: Orphanet 64746, MedGen C0270914, MONDO:0018993.

Allele frequency attached by ClinVar (database versions not stated): TOPMed below 0.00001.
gnomAD v4.1: 1 of 1,607,492 alleles (0.000062%); highest among the groups gnomAD compares: East Asian, 0.0022%; no homozygotes.

Submission:

Labcorp Genetics (formerly Invitae), Labcorp
Classification: Uncertain significance for Charcot-Marie-Tooth disease type 2. Last evaluated: 2022-03-31. Review status: criteria provided, single submitter. Criteria: Invitae Variant Classification Sherloc (09022015). Collection method: clinical testing. Allele origin: germline.
Comment: This variant has not been reported in the literature in individuals affected with KIF1B-related conditions. In summary, the available evidence is currently insufficient to determine the role of this variant in disease. Therefore, it has been classified as a Variant of Uncertain Significance. Variants that disrupt the consensus splice site are a relatively common cause of aberrant splicing (PMID: 17576681, 9536098). Algorithms developed to predict the effect of sequence changes on RNA splicing suggest that this variant may create or strengthen a splice site. ClinVar contains an entry for this variant (Variation ID: 1008790). This variant is present in population databases (no rsID available, gnomAD 0.006%). This sequence change falls in intron 26 of the KIF1B gene. It does not directly change the encoded amino acid sequence of the KIF1B protein. It affects a nucleotide within the consensus splice site.

Literature cited by the submitters: PubMed 17576681; PubMed 9536098.

NM_001365951.3(KIF1B):c.3043+3A>T

Gene: KIF1B (kinesin family member 1B; plus strand). Cytogenetic location: 1p36.22.
Variant type: single nucleotide variant.
Coding change: c.3043+3A>T on transcript NM_001365951.3 (MANE Select); 3 bases into the intron after coding-DNA position 3043, A replaced by T.
Molecular consequence: intron variant.
Genome position (GRCh38, 1-based): chr1:10,334,641, A>T. VCF-style: chr1-10334641-A-T. GRCh37 (hg19) VCF-style: chr1-10394699-A-T.
Other names: c.2905+3A>T (NM_015074.3); c.3043+3A>T (NM_001365952.1).
Identifiers: ClinVar variation 1008790 (VCV001008790.6), dbSNP rs753646018, ClinGen allele CA521149722.